The following is an entry in ClinVar:

ClinVar aggregate classification (germline): Likely benign. Review status: criteria provided, multiple submitters, no conflicts (2 of 4 stars). 3 submissions from 3 submitters: Likely benign (3). Last evaluated 2024-07-12.

Conditions:
Congenital myotonia, autosomal recessive form. Also called: Becker Generalized Myotonia; BECKER DISEASE; myotonia congenita, autosomal recessive. Identifiers: Orphanet 614, MedGen C0751360, MONDO:0009715, OMIM 255700.
Congenital myotonia, autosomal dominant form (THD). Also called: THOMSEN DISEASE; Myotonia congenita autosomal dominant. Identifiers: Orphanet 614, MedGen C2936781, MONDO:0008055, OMIM 160800.

Allele frequency attached by ClinVar (database versions not stated): gnomAD exomes below 0.00001 and 0.00001; gnomAD 0.00002; TOPMed 0.00003.
gnomAD v4.1: 6 of 1,614,106 alleles (0.00037%); highest among the groups gnomAD compares: African/African-American, 0.008%; no homozygotes.

Submissions (3):

Women's Health and Genetics/Laboratory Corporation of America, LabCorp
Classification: Likely benign. Last evaluated: 2024-07-12. Review status: criteria provided, single submitter. Criteria: LabCorp Variant Classification Summary - May 2015. Collection method: clinical testing. Allele origin: germline.
Comment: Variant summary: CLCN1 c.655C>T alters a non-conserved nucleotide resulting in a synonymous change. Consensus agreement among computation tools predict no significant impact on normal splicing. However, these predictions have yet to be confirmed by functional studies. The variant allele was found at a frequency of 8e-06 in 251410 control chromosomes (gnomAD). The available data on variant occurrences in the general population are insufficient to allow any conclusion about variant significance. To our knowledge, no occurrence of c.655C>T in individuals affected with Congenital Myotonia, Autosomal Recessive Form and no experimental evidence demonstrating its impact on protein function have been reported. ClinVar contains an entry for this variant (Variation ID: 515414). Based on the evidence outlined above, the variant was classified as likely benign.

Labcorp Genetics (formerly Invitae), Labcorp
Classification: Likely benign for Congenital myotonia, autosomal recessive form; Congenital myotonia, autosomal dominant form. Last evaluated: 2023-02-11. Review status: criteria provided, single submitter. Criteria: Invitae Variant Classification Sherloc (09022015). Collection method: clinical testing. Allele origin: germline.

GeneDx
Classification: Likely benign. Last evaluated: 2018-02-15. Review status: criteria provided, single submitter. Criteria: GeneDx Variant Classification (06012015). Collection method: clinical testing. Allele origin: germline. Affected: yes.
Comment: This variant is considered likely benign or benign based on one or more of the following criteria: it is a conservative change, it occurs at a poorly conserved position in the protein, it is predicted to be benign by multiple in silico algorithms, and/or has population frequency not consistent with disease.

NM_000083.3(CLCN1):c.655C>T (p.Leu219=)

Gene: CLCN1 (chloride voltage-gated channel 1; plus strand). Cytogenetic location: 7q34.
Variant type: single nucleotide variant.
Coding change: c.655C>T on transcript NM_000083.3 (MANE Select); coding-DNA position 655, C replaced by T.
Protein change: p.Leu219=; no amino-acid change (leucine 219 retained).
Molecular consequence: synonymous variant. On other transcripts: non-coding transcript variant (1).
Genome position (GRCh38, 1-based): chr7:143,321,807, C>T. VCF-style: chr7-143321807-C-T. GRCh37 (hg19) VCF-style: chr7-143018900-C-T.
Identifiers: ClinVar variation 515414 (VCV000515414.9), dbSNP rs1427322271, ClinGen allele CA458542164.